The following is an entry in ClinVar:

NM_000059.4(BRCA2):c.9218_9219insTTTA (p.Ile3075fs)

Gene: BRCA2 (BRCA2 DNA repair associated; plus strand). Cytogenetic location: 13q13.1.
Variant type: Insertion.
Coding change: c.9218_9219insTTTA on transcript NM_000059.4 (MANE Select); coding-DNA positions 9218 to 9219, TTTA inserted.
Protein change: p.Ile3075fs; shifts the reading frame from isoleucine 3075.
Molecular consequence: frameshift variant.
Genome position: GRCh38 VCF-style: chr13-32380106-G-GATTT. GRCh37 (hg19) VCF-style: chr13-32954243-G-GATTT.
Other names: short protein forms I3075fs.
Identifiers: ClinVar variation 548386 (VCV000548386.1), dbSNP rs1555288561, ClinGen allele CA658823636.

ClinVar aggregate classification (germline): Pathogenic (3 of 4 stars; one submission).

Conditions:
Breast-ovarian cancer, familial, susceptibility to, 2 (BROVCA2). Also called: BRCA2 Hereditary Breast and Ovarian Cancer. Identifiers: Orphanet 145, MedGen C2675520, MONDO:0012933, OMIM 612555. Disease mechanism: loss of function.

Submission:

Evidence-based Network for the Interpretation of Germline Mutant Alleles (ENIGMA)
Classification: Pathogenic for Breast-ovarian cancer, familial, susceptibility to, 2. Last evaluated: 2017-12-15. Review status: reviewed by expert panel. Criteria: ENIGMA BRCA1/2 Classification Criteria (2017-06-29). Collection method: curation. Allele origin: germline. Study: ENIGMA.
Comment: Variant allele predicted to encode a truncated non-functional protein.